The following is an entry in ClinVar:

NM_012154.5(AGO2):c.1431C>A (p.Ile477=)

Gene: AGO2 (argonaute RISC catalytic component 2; minus strand). Cytogenetic location: 8q24.3.
Variant type: single nucleotide variant.
Coding change: c.1431C>A on transcript NM_012154.5 (MANE Select); coding-DNA position 1431, C replaced by A.
Protein change: p.Ile477=; no amino-acid change (isoleucine 477 retained).
Molecular consequence: synonymous variant.
Genome position (GRCh38, 1-based): chr8:140,549,271, G>T on the plus strand (C>A on the coding strand, the complement: AGO2 is on the minus strand). VCF-style: chr8-140549271-G-T. GRCh37 (hg19) VCF-style: chr8-141559370-G-T.
Other names: c.1431C>A, p.Ile477= (NM_001164623.3).
Identifiers: ClinVar variation 3388723 (VCV003388723.14).

ClinVar aggregate classification (germline): Likely benign (1 of 4 stars; one submission).

gnomAD v4.1: 4 of 1,610,680 alleles (0.00025%); highest among the groups gnomAD compares: Middle Eastern, 0.017%; no homozygotes.

Submission:

CeGaT Center for Human Genetics Tuebingen
Classification: Likely benign. Last evaluated: 2024-09-01. Review status: criteria provided, single submitter. Criteria: CeGaT Center For Human Genetics Tuebingen Variant Classification Criteria Version 2. Collection method: clinical testing. Allele origin: germline. Affected: yes. Observed: 1 variant allele.
Comment: AGO2: BP4, BP7